The following is an entry in ClinVar:

ClinVar aggregate classification (germline): Uncertain significance. Review status: criteria provided, multiple submitters, no conflicts (2 of 4 stars). 2 submissions from 2 submitters: Uncertain significance (2). Last evaluated 2025-05-17.

Conditions:
Inborn genetic diseases. Identifiers: MedGen C0950123, MeSH D030342.
Spastic ataxia 2. Also called: Ataxia, spastic, 2, autosomal recessive. Identifiers: Orphanet 397946, MedGen C1969796, MONDO:0012651, OMIM 611302.

Allele frequency attached by ClinVar (database versions not stated): gnomAD 0.00002 and 0.00001; TOPMed 0.00003.
gnomAD v4.1: 3 of 1,614,046 alleles (0.00019%); highest among the groups gnomAD compares: Admixed American, 0.0033%; no homozygotes.

Submissions (2):

Ambry Genetics
Classification: Uncertain significance for Inborn genetic diseases. Last evaluated: 2025-05-17. Review status: criteria provided, single submitter. Criteria: Ambry Variant Classification Scheme 2023. Collection method: clinical testing. Allele origin: germline.

Labcorp Genetics (formerly Invitae), Labcorp
Classification: Uncertain significance for Spastic ataxia 2. Last evaluated: 2021-04-24. Review status: criteria provided, single submitter. Criteria: Invitae Variant Classification Sherloc (09022015). Collection method: clinical testing. Allele origin: germline.
Comment: This sequence change replaces asparagine with lysine at codon 598 of the KIF1C protein (p.Asn598Lys). The asparagine residue is highly conserved and there is a moderate physicochemical difference between asparagine and lysine. This variant is not present in population databases (ExAC no frequency). This variant has not been reported in the literature in individuals with KIF1C-related conditions. Algorithms developed to predict the effect of missense changes on protein structure and function are either unavailable or do not agree on the potential impact of this missense change (SIFT: "Deleterious"; PolyPhen-2: "Benign"; Align-GVGD: "Class C65"). In summary, the available evidence is currently insufficient to determine the role of this variant in disease. Therefore, it has been classified as a Variant of Uncertain Significance.

NM_006612.6(KIF1C):c.1794C>A (p.Asn598Lys)

Genes: KIF1C (kinesin family member 1C; plus strand), LOC126862473 (CDK7 strongly-dependent group 2 enhancer GRCh37_chr17:4923264-4924463; plus strand). Cytogenetic location: 17p13.2.
Variant type: single nucleotide variant.
Coding change: c.1794C>A on transcript NM_006612.6 (MANE Select); coding-DNA position 1794, C replaced by A.
Protein change: p.Asn598Lys; replaces asparagine 598 with lysine.
Molecular consequence: missense variant.
Genome position (GRCh38, 1-based): chr17:5,020,535, C>A. VCF-style: chr17-5020535-C-A. GRCh37 (hg19) VCF-style: chr17-4923830-C-A.
Other names: c.1794C>A (NM_006612.5); short protein forms N598K.
Identifiers: ClinVar variation 1375797 (VCV001375797.8), dbSNP rs1371284245, ClinGen allele CA397310113.